The following is an entry in ClinVar:

NM_006258.4(PRKG1):c.321T>C (p.Asp107=)

Gene: PRKG1 (protein kinase cGMP-dependent 1; plus strand). Cytogenetic location: 10q21.1.
Variant type: single nucleotide variant.
Coding change: c.321T>C on transcript NM_006258.4 (MANE Select); coding-DNA position 321, T replaced by C.
Protein change: p.Asp107=; no amino-acid change (aspartic acid 107 retained).
Molecular consequence: synonymous variant.
Genome position (GRCh38, 1-based): chr10:51,153,173, T>C. VCF-style: chr10-51153173-T-C. GRCh37 (hg19) VCF-style: chr10-52912933-T-C.
Other names: c.276T>C, p.Asp92= (NM_001098512.3, LRG_1135t2); c.321T>C, p.Asp107= (LRG_1135t1).
Identifiers: ClinVar variation 520139 (VCV000520139.27), dbSNP rs201033058, ClinGen allele CA5503114.
Genomic context (GRCh38, chr10:51,153,173, plus strand): 5'-TATGAAAGAGCTTGTCAGATGTGCCAGTAAATCTTCCCTCTCTTGCCATAGGTCCAAGGA[T>C]CTTATAAAGGAAGCTATCCTTGACAATGACTTTATGAAGAACTTGGAGCTGTCGCAGATC-3'
Protein context (NP_006249.1, residues 97-117): PFYPKSPQSK[Asp107=]LIKEAILDND

ClinVar aggregate classification (germline): Benign/Likely benign. Review status: criteria provided, multiple submitters, no conflicts (2 of 4 stars). 7 submissions from 7 submitters: Benign (2); Likely benign (4). 1 of the submissions does not count toward it. Last evaluated 2026-01-24.

Conditions:
Aortic aneurysm, familial thoracic 8 (AAT8). Identifiers: MedGen C3809513, MONDO:0014187, OMIM 615436.
PRKG1-related disorder. Also called: PRKG1-related condition.
Familial thoracic aortic aneurysm and aortic dissection (TAAD). Also called: Thoracic aortic aneurysms and dissections. Identifiers: Orphanet 91387, MedGen C4707243, MONDO:0019625.

Allele frequency attached by ClinVar (database versions not stated): ESP Exome Variant Server 0.00008; gnomAD 0.00011 and 0.00013; TOPMed 0.00011; 1000 Genomes Project 0.00020; gnomAD exomes 0.00022; ExAC 0.00027; 1000 Genomes Project 30x 0.00031.
gnomAD v4.1: 207 of 1,611,534 alleles (0.013%); highest among the groups gnomAD compares: South Asian, 0.075%; no homozygotes.

Submissions (7):

Labcorp Genetics (formerly Invitae), Labcorp
Classification: Benign for Aortic aneurysm, familial thoracic 8. Last evaluated: 2026-01-24. Review status: criteria provided, single submitter. Criteria: Invitae Variant Classification Sherloc (09022015). Collection method: clinical testing. Allele origin: germline.

CeGaT Center for Human Genetics Tuebingen
Classification: Likely benign. Last evaluated: 2025-03-01. Review status: criteria provided, single submitter. Criteria: CeGaT Center For Human Genetics Tuebingen Variant Classification Criteria Version 2. Collection method: clinical testing. Allele origin: germline. Affected: yes. Observed: 1 variant allele.
Comment: PRKG1: BP4, BS2

Blueprint Genetics
Classification: Likely benign. Last evaluated: 2024-10-15. Review status: criteria provided, single submitter. Criteria: ACMG Guidelines, 2015. Collection method: clinical testing. Allele origin: germline.

Women's Health and Genetics/Laboratory Corporation of America, LabCorp
Classification: Benign. Last evaluated: 2024-09-27. Review status: criteria provided, single submitter. Criteria: LabCorp Variant Classification Summary - May 2015. Collection method: clinical testing. Allele origin: germline.

Ambry Genetics
Classification: Likely benign for Familial thoracic aortic aneurysm and aortic dissection. Last evaluated: 2016-09-15. Review status: criteria provided, single submitter. Criteria: Ambry Variant Classification Scheme 2023. Collection method: clinical testing. Allele origin: germline.

Breakthrough Genomics
Classification: Likely benign. Review status: criteria provided, single submitter. Criteria: ACMG Guidelines, 2015. Collection method: not provided. Allele origin: germline. Inheritance: Autosomal dominant inheritance. Affected: yes.

PreventionGenetics, part of Exact Sciences
Classification: Likely benign for PRKG1-related condition. Last evaluated: 2024-04-13. Review status: no assertion criteria provided. Collection method: clinical testing. Allele origin: germline. Not counted in ClinVar's aggregate classification.
Comment: This variant is classified as likely benign based on ACMG/AMP sequence variant interpretation guidelines (Richards et al. 2015 PMID: 25741868, with internal and published modifications).